The following is an entry in ClinVar:

NM_207118.3(GTF2H5):c.100A>G (p.Ile34Val)

Gene: GTF2H5 (general transcription factor IIH subunit 5; plus strand). Cytogenetic location: 6q25.3.
Variant type: single nucleotide variant.
Coding change: c.100A>G on transcript NM_207118.3 (MANE Select); coding-DNA position 100, A replaced by G.
Protein change: p.Ile34Val; replaces isoleucine 34 with valine.
Molecular consequence: missense variant.
Genome position (GRCh38, 1-based): chr6:158,192,041, A>G. VCF-style: chr6-158192041-A-G. GRCh37 (hg19) VCF-style: chr6-158613073-A-G.
Other names: c.100A>G (NM_207118.2); short protein forms I34V.
Identifiers: ClinVar variation 1509229 (VCV001509229.7), dbSNP rs748906092, ClinGen allele CA4071596.
Genomic context (GRCh38, chr6:158,192,041, plus strand): 5'-CCTGCCATGAAGCAGTTTCTGCTGTACTTGGATGAGTCCAATGCCCTGGGGAAGAAGTTC[A>G]TCATTCAAGACATTGATGACACTCACGTCTTTGTAATAGCAGAATTGGTTAATGTCCTCC-3'
Protein context (NP_997001.1, residues 24-44): DESNALGKKF[Ile34Val]IQDIDDTHVF

ClinVar aggregate classification (germline): Uncertain significance. Review status: criteria provided, multiple submitters, no conflicts (2 of 4 stars). 2 submissions from 2 submitters: Uncertain significance (2). Last evaluated 2025-04-25.

Conditions:
Inborn genetic diseases. Identifiers: MedGen C0950123, MeSH D030342.

Allele frequency attached by ClinVar (database versions not stated): gnomAD exomes 0.00007 and 0.00005; gnomAD 0.00001 and 0.00003; ExAC 0.00007; TOPMed 0.00001.
gnomAD v4.1: 107 of 1,613,762 alleles (0.0066%); highest among the groups gnomAD compares: Middle Eastern, 0.033%; 1 homozygote.

Submissions (2):

Ambry Genetics
Classification: Uncertain significance for Inborn genetic diseases. Last evaluated: 2025-04-25. Review status: criteria provided, single submitter. Criteria: Ambry Variant Classification Scheme 2023. Collection method: clinical testing. Allele origin: germline.

Labcorp Genetics (formerly Invitae), Labcorp
Classification: Uncertain significance. Last evaluated: 2022-05-04. Review status: criteria provided, single submitter. Criteria: Invitae Variant Classification Sherloc (09022015). Collection method: clinical testing. Allele origin: germline.
Comment: This sequence change replaces isoleucine, which is neutral and non-polar, with valine, which is neutral and non-polar, at codon 34 of the GTF2H5 protein (p.Ile34Val). This variant is present in population databases (rs748906092, gnomAD 0.02%). This variant has not been reported in the literature in individuals affected with GTF2H5-related conditions. Algorithms developed to predict the effect of missense changes on protein structure and function are either unavailable or do not agree on the potential impact of this missense change (SIFT: "Deleterious"; PolyPhen-2: "Benign"; Align-GVGD: "Class C25"). In summary, the available evidence is currently insufficient to determine the role of this variant in disease. Therefore, it has been classified as a Variant of Uncertain Significance.